The following is an entry in ClinVar:

NM_022552.5(DNMT3A):c.457C>T (p.Gln153Ter)

Genes: DNMT3A (DNA methyltransferase 3 alpha; minus strand), LOC129933290 (ATAC-STARR-seq lymphoblastoid active region 15445; plus strand). Cytogenetic location: 2p23.3.
Variant type: single nucleotide variant.
Coding change: c.457C>T on transcript NM_022552.5 (MANE Select); coding-DNA position 457, C replaced by T.
Protein change: p.Gln153Ter; replaces glutamine 153 with a stop codon.
Molecular consequence: nonsense. On other transcripts: non-coding transcript variant (1).
Genome position (GRCh38, 1-based): chr2:25,275,535, G>A on the plus strand (C>T on the coding strand, the complement: DNMT3A is on the minus strand). VCF-style: chr2-25275535-G-A. GRCh37 (hg19) VCF-style: chr2-25498404-G-A.
Other names: c.457C>T, p.Gln153Ter (NM_175629.2); short protein forms Q153*.
Identifiers: ClinVar variation 2756141 (VCV002756141.3), dbSNP rs2465786402, ClinGen allele CA346083274.

ClinVar aggregate classification (germline): Pathogenic (1 of 4 stars; one submission).

Conditions:
Tatton-Brown-Rahman overgrowth syndrome. Also called: Tatton-Brown-Rahman syndrome; Tall stature-intellectual disability-facial dysmorphism syndrome. Identifiers: Orphanet 404443, MedGen C4014545, MONDO:0014382, OMIM 615879.

Submission:

Labcorp Genetics (formerly Invitae), Labcorp
Classification: Pathogenic for Tatton-Brown-Rahman overgrowth syndrome. Last evaluated: 2023-08-28. Review status: criteria provided, single submitter. Criteria: Invitae Variant Classification Sherloc (09022015). Collection method: clinical testing. Allele origin: germline.
Comment: This sequence change creates a premature translational stop signal (p.Gln153*) in the DNMT3A gene. It is expected to result in an absent or disrupted protein product. Loss-of-function variants in DNMT3A are known to be pathogenic (PMID: 24614070). This variant is not present in population databases (gnomAD no frequency). This variant has not been reported in the literature in individuals affected with DNMT3A-related conditions. For these reasons, this variant has been classified as Pathogenic.

Literature cited by the submitters: PubMed 24614070.